The following is an entry in ClinVar:

NM_003824.4(FADD):c.350G>A (p.Arg117His)

Gene: FADD (Fas associated via death domain; plus strand). Cytogenetic location: 11q13.3.
Variant type: single nucleotide variant.
Coding change: c.350G>A on transcript NM_003824.4 (MANE Select); coding-DNA position 350, G replaced by A.
Protein change: p.Arg117His; replaces arginine 117 with histidine.
Molecular consequence: missense variant.
Genome position (GRCh38, 1-based): chr11:70,206,196, G>A. VCF-style: chr11-70206196-G-A. GRCh37 (hg19) VCF-style: chr11-70052302-G-A.
Other names: short protein forms R117H.
Identifiers: ClinVar variation 806711 (VCV000806711.48), dbSNP rs1392069885, ClinGen allele CA381666013.
Genomic context (GRCh38, chr11:70,206,196, plus strand): 5'-TGTGTGCAGCATTTAACGTCATATGTGATAATGTGGGGAAAGATTGGAGAAGGCTGGCTC[G>A]TCAGCTCAAAGTCTCAGACACCAAGATCGACAGCATCGAGGACAGATACCCCCGCAACCT-3'
Protein context (NP_003815.1, residues 107-127): NVGKDWRRLA[Arg117His]QLKVSDTKID

ClinVar aggregate classification (germline): Conflicting classifications of pathogenicity. Review status: criteria provided, conflicting classifications (1 of 4 stars). 2 submissions from 2 submitters: Likely pathogenic (1); Uncertain significance (1). Last evaluated 2022-08-16.

Conditions:
FADD-related immunodeficiency. Also called: Infections, recurrent, with encephalopathy, hepatic dysfunction, and cardiovascular malformations; FADD DEFICIENCY. Identifiers: Orphanet 306550, MedGen C3151062, MONDO:0013408, OMIM 613759.

Allele frequency attached by ClinVar (database versions not stated): gnomAD exomes below 0.00001.

Submissions (2):

Labcorp Genetics (formerly Invitae), Labcorp
Classification: Uncertain significance for FADD-related immunodeficiency. Last evaluated: 2022-08-16. Review status: criteria provided, single submitter. Criteria: Invitae Variant Classification Sherloc (09022015). Collection method: clinical testing. Allele origin: germline.
Comment: This variant has not been reported in the literature in individuals affected with FADD-related conditions. ClinVar contains an entry for this variant (Variation ID: 806711). Algorithms developed to predict the effect of missense changes on protein structure and function (SIFT, PolyPhen-2, Align-GVGD) all suggest that this variant is likely to be disruptive. In summary, the available evidence is currently insufficient to determine the role of this variant in disease. Therefore, it has been classified as a Variant of Uncertain Significance. This sequence change replaces arginine, which is basic and polar, with histidine, which is basic and polar, at codon 117 of the FADD protein (p.Arg117His). This variant is present in population databases (no rsID available, gnomAD 0.003%).

CeGaT Center for Human Genetics Tuebingen
Classification: Likely pathogenic. Last evaluated: 2019-03-01. Review status: criteria provided, single submitter. Criteria: CeGaT Center For Human Genetics Tuebingen Variant Classification Criteria Version 2. Collection method: clinical testing. Allele origin: germline. Affected: yes. Observed: 1 variant allele.